The following is an entry in ClinVar:

NM_001283009.2(RTEL1):c.2718G>C (p.Glu906Asp)

Genes: RTEL1 (regulator of telomere elongation helicase 1; plus strand), RTEL1-TNFRSF6B (RTEL1-TNFRSF6B readthrough (NMD candidate); plus strand). Cytogenetic location: 20q13.33.
Variant type: single nucleotide variant.
Coding change: c.2718G>C on transcript NM_001283009.2 (MANE Select); coding-DNA position 2718, G replaced by C.
Protein change: p.Glu906Asp; replaces glutamic acid 906 with aspartic acid.
Molecular consequence: missense variant. On other transcripts: non-coding transcript variant (1).
Genome position (GRCh38, 1-based): chr20:63,692,870, G>C. VCF-style: chr20-63692870-G-C. GRCh37 (hg19) VCF-style: chr20-62324223-G-C.
Other names: c.2790G>C (NM_032957.4); c.2049G>C, p.Glu683Asp (NM_001283010.1); c.2718G>C, p.Glu906Asp (NM_016434.4); c.2790G>C, p.Glu930Asp (NM_032957.5); short protein forms E906D, E930D, E683D.
Identifiers: ClinVar variation 2173112 (VCV002173112.9), dbSNP rs765888621, ClinGen allele CA9965510.

ClinVar aggregate classification (germline): Uncertain significance. Review status: criteria provided, multiple submitters, no conflicts (2 of 4 stars). 5 submissions from 5 submitters: Uncertain significance (5). Last evaluated 2026-09-18.

Conditions:
Inborn genetic diseases. Identifiers: MedGen C0950123, MeSH D030342.
RTEL1-related disorder. Also called: RTEL1-related disorders; RTEL1-related condition.
Pulmonary fibrosis and/or bone marrow failure, Telomere-related, 3. Also called: PULMONARY FIBROSIS AND/OR BONE MARROW FAILURE SYNDROME, TELOMERE-RELATED, 3. Identifiers: Orphanet 2032, MedGen C4225346, MONDO:0014613, OMIM 616373.
Dyskeratosis congenita, autosomal recessive 5 (DKCB5). Identifiers: MedGen C3554656, MONDO:0014076, OMIM 615190.

gnomAD v4.1: 32 of 1,612,542 alleles (0.002%); highest among the groups gnomAD compares: Non-Finnish European, 0.0027%; no homozygotes.

Submissions (5):

PreventionGenetics, part of Exact Sciences
Classification: Uncertain significance for RTEL1-related condition. Last evaluated: 2026-09-18. Review status: criteria provided, single submitter. Criteria: ACMG Guidelines, 2015. Collection method: clinical testing. Allele origin: germline.
Comment: The RTEL1 c.2790G>C variant is predicted to result in the amino acid substitution p.Glu930Asp. To our knowledge, this variant has not been reported in the literature. This variant is reported in 0.0062% of alleles in individuals of European (Non-Finnish) descent in gnomAD. At this time, the clinical significance of this variant is uncertain due to the absence of conclusive functional and genetic evidence.

Labcorp Genetics (formerly Invitae), Labcorp
Classification: Uncertain significance for Dyskeratosis congenita, autosomal recessive 5; Pulmonary fibrosis and/or bone marrow failure, Telomere-related, 3. Last evaluated: 2025-06-20. Review status: criteria provided, single submitter. Criteria: Invitae Variant Classification Sherloc (09022015). Collection method: clinical testing. Allele origin: germline.
Comment: This sequence change replaces glutamic acid, which is acidic and polar, with aspartic acid, which is acidic and polar, at codon 906 of the RTEL1 protein (p.Glu906Asp). This variant is present in population databases (rs765888621, gnomAD 0.006%). This variant has not been reported in the literature in individuals affected with RTEL1-related conditions. ClinVar contains an entry for this variant (Variation ID: 2173112). An algorithm developed to predict the effect of missense changes on protein structure and function (PolyPhen-2) suggests that this variant is likely to be tolerated. In summary, the available evidence is currently insufficient to determine the role of this variant in disease. Therefore, it has been classified as a Variant of Uncertain Significance.

Women's Health and Genetics/Laboratory Corporation of America, LabCorp
Classification: Uncertain significance. Last evaluated: 2024-06-21. Review status: criteria provided, single submitter. Criteria: LabCorp Variant Classification Summary - May 2015. Collection method: clinical testing. Allele origin: germline.
Comment: Variant summary: RTEL1 c.2790G>C (p.Glu930Asp) results in a conservative amino acid change located in the Regulator of telomere elongation helicase 1, harmonin homology domain (IPR049909) of the encoded protein sequence. Five of five in-silico tools predict a benign effect of the variant on protein function. The variant allele was found at a frequency of 2.8e-05 in 249764 control chromosomes. The available data on variant occurrences in the general population are insufficient to allow any conclusion about variant significance. To our knowledge, no occurrence of c.2790G>C in individuals affected with Dyskeratosis Congenita (Hoyeraal Hreidarsson Syndrome) and no experimental evidence demonstrating its impact on protein function have been reported. ClinVar contains an entry for this variant (Variation ID: 2173112). Based on the evidence outlined above, the variant was classified as uncertain significance.

Ambry Genetics
Classification: Uncertain significance for Inborn genetic diseases. Last evaluated: 2024-06-17. Review status: criteria provided, single submitter. Criteria: Ambry Variant Classification Scheme 2023. Collection method: clinical testing. Allele origin: germline.

Revvity Omics, Revvity
Classification: Uncertain significance. Last evaluated: 2021-09-27. Review status: criteria provided, single submitter. Criteria: ACMG Guidelines, 2015. Collection method: clinical testing. Allele origin: germline.